The following is an entry in ClinVar:

NM_005618.4(DLL1):c.1329C>G (p.Asn443Lys)

Gene: DLL1 (delta like canonical Notch ligand 1; minus strand). Cytogenetic location: 6q27.
Variant type: single nucleotide variant.
Coding change: c.1329C>G on transcript NM_005618.4 (MANE Select); coding-DNA position 1329, C replaced by G.
Protein change: p.Asn443Lys; replaces asparagine 443 with lysine.
Molecular consequence: missense variant.
Genome position (GRCh38, 1-based): chr6:170,283,950, G>C on the plus strand (C>G on the coding strand, the complement: DLL1 is on the minus strand). VCF-style: chr6-170283950-G-C. GRCh37 (hg19) VCF-style: chr6-170593038-G-C.
Other names: short protein forms N443K.
Identifiers: ClinVar variation 3716664 (VCV003716664.2).

ClinVar aggregate classification (germline): Uncertain significance (1 of 4 stars; one submission).

gnomAD v4.1: 49 of 1,591,998 alleles (0.0031%); highest among the groups gnomAD compares: Non-Finnish European, 0.004%; no homozygotes.

Submission:

Labcorp Genetics (formerly Invitae), Labcorp
Classification: Uncertain significance. Last evaluated: 2025-02-02. Review status: criteria provided, single submitter. Criteria: Invitae Variant Classification Sherloc (09022015). Collection method: clinical testing. Allele origin: germline.
Comment: This sequence change replaces asparagine, which is neutral and polar, with lysine, which is basic and polar, at codon 443 of the DLL1 protein (p.Asn443Lys). This variant is not present in population databases (gnomAD no frequency). This variant has not been reported in the literature in individuals affected with DLL1-related conditions. An algorithm developed to predict the effect of missense changes on protein structure and function (PolyPhen-2) suggests that this variant is likely to be tolerated. In summary, the available evidence is currently insufficient to determine the role of this variant in disease. Therefore, it has been classified as a Variant of Uncertain Significance.